The following is an entry in ClinVar:

NM_025136.4(OPA3):c.59G>A (p.Ser20Asn)

Genes: OPA3 (outer mitochondrial membrane lipid metabolism regulator OPA3; minus strand), OPA3-RTN2 (OPA3-RTN2 readthrough; minus strand), LOC130064709 (ATAC-STARR-seq lymphoblastoid active region 14802; plus strand). Cytogenetic location: 19q13.32.
Variant type: single nucleotide variant.
Coding change: c.59G>A on transcript NM_025136.4 (MANE Select); coding-DNA position 59, G replaced by A.
Protein change: p.Ser20Asn; replaces serine 20 with asparagine.
Molecular consequence: missense variant.
Genome position (GRCh38, 1-based): chr19:45,584,706, C>T on the plus strand (G>A on the coding strand, the complement: OPA3 is on the minus strand). VCF-style: chr19-45584706-C-T. GRCh37 (hg19) VCF-style: chr19-46087964-C-T.
Other names: c.59G>A, p.Ser20Asn (NM_001017989.3); short protein forms S20N.
Identifiers: ClinVar variation 1304229 (VCV001304229.2), dbSNP rs2122529443, ClinGen allele CA406378686.

ClinVar aggregate classification (germline): Uncertain significance (1 of 4 stars; one submission).

Allele frequency attached by ClinVar (database versions not stated): gnomAD exomes below 0.00001.
gnomAD v4.1: 1 of 1,614,196 alleles (0.000062%); highest among the groups gnomAD compares: Non-Finnish European, 0.000085%; no homozygotes.

Submission:

GeneDx
Classification: Uncertain significance. Last evaluated: 2018-10-15. Review status: criteria provided, single submitter. Criteria: GeneDx Variant Classification Process June 2021. Collection method: clinical testing. Allele origin: germline. Affected: yes.
Comment: Has not been previously published as pathogenic or benign to our knowledge; In silico analysis, which includes protein predictors and evolutionary conservation, supports that this variant does not alter protein structure/function; Not observed in large population cohorts (Lek et al., 2016)